The following is an entry in ClinVar:

NM_007294.4(BRCA1):c.5013A>T (p.Lys1671Asn)

Gene: BRCA1 (BRCA1 DNA repair associated; minus strand). Cytogenetic location: 17q21.31.
Variant type: single nucleotide variant.
Coding change: c.5013A>T on transcript NM_007294.4 (MANE Select); coding-DNA position 5013, A replaced by T.
Protein change: p.Lys1671Asn; replaces lysine 1671 with asparagine.
Molecular consequence: missense variant. On other transcripts: non-coding transcript variant (1).
Genome position (GRCh38, 1-based): chr17:43,067,669, T>A on the plus strand (A>T on the coding strand, the complement: BRCA1 is on the minus strand). VCF-style: chr17-43067669-T-A. GRCh37 (hg19) VCF-style: chr17-41219686-T-A.
Other names: c.4800A>T, p.Lys1600Asn (NM_001407571.1, NM_001407902.1, NM_001407904.1 and 12 more transcripts); c.5079A>T, p.Lys1693Asn (NM_001407581.1, NM_001407582.1); c.5076A>T, p.Lys1692Asn (NM_001407583.1, NM_001407585.1, NM_001407587.1 and 1 more transcripts); c.5073A>T, p.Lys1691Asn (NM_001407590.1, NM_001407591.1); c.5013A>T, p.Lys1671Asn (NM_001407593.1, NM_001407594.1, NM_001407596.1 and 8 more transcripts); c.5010A>T, p.Lys1670Asn (NM_001407610.1, NM_001407611.1, NM_001407612.1 and 17 more transcripts); c.5007A>T, p.Lys1669Asn (NM_001407630.1, NM_001407631.1, NM_001407632.1 and 14 more transcripts); c.4935A>T, p.Lys1645Asn (NM_001407653.1, NM_001407654.1, NM_001407655.1); and 70 more; short protein forms K1692N, K1671N, K1624N, K567N, K1543N, K1581N, K1582N, K1600N.
Identifiers: ClinVar variation 868529 (VCV000868529.3), dbSNP rs2052181061, ClinGen allele CA10591491.

Conditions:
Breast-ovarian cancer, familial, susceptibility to, 1 (BROVCA1). Also called: BRCA1 Hereditary Breast and Ovarian Cancer; OVARIAN CANCER, SUSCEPTIBILITY TO. Identifiers: Orphanet 145, MedGen C2676676, MONDO:0011450, OMIM 604370. Disease mechanism: loss of function.

Submission:

Brotman Baty Institute, University of Washington
No classification provided (evidence only). Condition: Breast-ovarian cancer, familial 1. Review status: no classification provided. Collection method: in vitro. Allele origin: not applicable. Functional consequence: functionally_normal.
ClinVar note: "not provided" was previously submitted as the classification for the variant. However, the classification appeared to be based only on an observation of functional data so it was converted to no classification on 2025-07-30.